The following is an entry in ClinVar:

ClinVar aggregate classification (germline): not provided (0 of 4 stars; one submission).

Allele frequency attached by ClinVar (database versions not stated): gnomAD exomes below 0.00001; gnomAD 0.00001.
gnomAD v4.1: 2 of 1,590,666 alleles (0.00013%); highest among the groups gnomAD compares: African/African-American, 0.0027%; no homozygotes.

Submission:

Human Evolutionary Genetics, Institut Pasteur
No classification provided. Review status: no classification provided. Collection method: not provided. Allele origin: germline.
ClinVar note: Converted during submission from untested to not provided.

NM_001384950.1(NLRC5):c.296-29A>C

Gene: NLRC5 (NLR family CARD domain containing 5; plus strand). Cytogenetic location: 16q13.
Variant type: single nucleotide variant.
Coding change: c.296-29A>C on transcript NM_001384950.1 (MANE Select); 29 bases into the intron before coding-DNA position 296, A replaced by C.
Molecular consequence: intron variant.
Genome position (GRCh38, 1-based): chr16:57,022,227, A>C. VCF-style: chr16-57022227-A-C. GRCh37 (hg19) VCF-style: chr16-57056139-A-C.
Other names: c.296-29A>C (NM_001384954.1, NM_001384953.1, NM_001384957.1 and 22 more transcripts).
Identifiers: ClinVar variation 103171 (VCV000103171.2), dbSNP rs199475966, ClinGen allele CA230217.
Genomic context (GRCh38, chr16:57,022,227, plus strand): 5'-ATGAGCCCTGAGCCAGGCGCCAGGCCAGAGCTGGTCCCCAGCATCCCTCGACAGCCCCAT[A>C]CCACATTATACTCTCCCCTCTCTTGCAGGGTTCACCAGCCAGCTGGGAGCTGAGGGGAAA-3'